The following is an entry in ClinVar:

ClinVar aggregate classification (germline): not provided (0 of 4 stars; one submission).

Allele frequency attached by ClinVar (database versions not stated): 1000 Genomes Project 30x 0.00094; gnomAD exomes 0.00006 and 0.00012; gnomAD 0.00041 and 0.00043; ESP Exome Variant Server 0.00054; TOPMed 0.00051; 1000 Genomes Project 0.00100; ExAC 0.00018.
gnomAD v4.1: 165 of 1,614,150 alleles (0.01%); highest among the groups gnomAD compares: African/African-American, 0.18%; no homozygotes.

Submission:

ITMI
No classification provided. Condition: AllHighlyPenetrant. Last evaluated: 2013-09-19. Review status: no classification provided. Collection method: reference population. Allele origin: germline.
Comment: Please see associated publication for description of ethnicities

Literature cited by the submitters: PubMed 24728327.

NM_001706.5(BCL6):c.1166A>G (p.Asn389Ser)

Genes: BCL6 (BCL6 transcription repressor; minus strand), LOC100131635 (hCG1645011-like; plus strand). Cytogenetic location: 3q27.3.
Variant type: single nucleotide variant.
Coding change: c.1166A>G on transcript NM_001706.5 (MANE Select); coding-DNA position 1166, A replaced by G.
Protein change: p.Asn389Ser; replaces asparagine 389 with serine.
Molecular consequence: missense variant.
Genome position (GRCh38, 1-based): chr3:187,729,239, T>C on the plus strand (A>G on the coding strand, the complement: BCL6 is on the minus strand). VCF-style: chr3-187729239-T-C. GRCh37 (hg19) VCF-style: chr3-187447027-T-C.
Other names: c.1166A>G, p.Asn389Ser (NM_001130845.2, NM_001134738.2); short protein forms N389S.
Identifiers: ClinVar variation 133670 (VCV000133670.1), dbSNP rs150656653, ClinGen allele CA157269.
Genomic context (GRCh38, chr3:187,729,239, plus strand): 5'-GTGTAGGCTCGTGGGGAAAGGCGGCCCAGCTCAGCCTGCTCAGGCCCCTCTGGTTTGGCA[T>C]TCTGGTTGAGGCTGTTGAGCACGATGAACTTGTATTTCTTCCAGTTGCAGGCTTTGGGGT-3'
Protein context (NP_001697.2, residues 379-399): KFIVLNSLNQ[Asn389Ser]AKPEGPEQAE